The following is an entry in ClinVar:

NM_182961.4(SYNE1):c.7778A>T (p.Gln2593Leu)

Gene: SYNE1 (spectrin repeat containing nuclear envelope protein 1; minus strand). Cytogenetic location: 6q25.2.
Variant type: single nucleotide variant.
Coding change: c.7778A>T on transcript NM_182961.4 (MANE Select); coding-DNA position 7778, A replaced by T.
Protein change: p.Gln2593Leu; replaces glutamine 2593 with leucine.
Molecular consequence: missense variant.
Genome position (GRCh38, 1-based): chr6:152,391,503, T>A on the plus strand (A>T on the coding strand, the complement: SYNE1 is on the minus strand). VCF-style: chr6-152391503-T-A. GRCh37 (hg19) VCF-style: chr6-152712638-T-A.
Other names: c.7799A>T, p.Gln2600Leu (NM_033071.5); short protein forms Q2600L, Q2593L.
Identifiers: ClinVar variation 1402856 (VCV001402856.8), dbSNP rs761902124, ClinGen allele CA366109235.

ClinVar aggregate classification (germline): Uncertain significance (1 of 4 stars; one submission).

Conditions:
Emery-Dreifuss muscular dystrophy 4, autosomal dominant (EDMD4). Also called: EMERY-DREIFUSS MUSCULAR DYSTROPHY 4 WITH VARIABLE FEATURES. Identifiers: Orphanet 261, MedGen C2751807, MONDO:0013071, OMIM 612998.
Autosomal recessive ataxia, Beauce type. Also called: SYNE1-Related Autosomal Recessive Cerebellar Ataxia; Spinocerebellar ataxia, autosomal recessive 8; ATAXIA, RECESSIVE, OF BEAUCE; SYNE1 Deficiency. Identifiers: Orphanet 88644, MedGen C1853116, MONDO:0012549, OMIM 610743.

Submission:

Labcorp Genetics (formerly Invitae), Labcorp
Classification: Uncertain significance for Emery-Dreifuss muscular dystrophy 4, autosomal dominant; Autosomal recessive ataxia, Beauce type. Last evaluated: 2022-06-27. Review status: criteria provided, single submitter. Criteria: Invitae Variant Classification Sherloc (09022015). Collection method: clinical testing. Allele origin: germline.
Comment: This sequence change replaces glutamine, which is neutral and polar, with leucine, which is neutral and non-polar, at codon 2600 of the SYNE1 protein (p.Gln2600Leu). This variant is not present in population databases (gnomAD no frequency). This variant has not been reported in the literature in individuals affected with SYNE1-related conditions. Algorithms developed to predict the effect of missense changes on protein structure and function are either unavailable or do not agree on the potential impact of this missense change (SIFT: "Deleterious"; PolyPhen-2: "Benign"; Align-GVGD: "Class C25"). In summary, the available evidence is currently insufficient to determine the role of this variant in disease. Therefore, it has been classified as a Variant of Uncertain Significance.